The following is an entry in ClinVar:

ClinVar aggregate classification (germline): Uncertain significance (1 of 4 stars; one submission).

Allele frequency attached by ClinVar (database versions not stated): gnomAD exomes 0.00001.
gnomAD v4.1: 8 of 1,613,394 alleles (0.0005%); highest among the groups gnomAD compares: Non-Finnish European, 0.00068%; no homozygotes.

Submission:

Athena Diagnostics
Classification: Uncertain significance. Last evaluated: 2023-05-17. Review status: criteria provided, single submitter. Criteria: Athena Diagnostics Criteria. Collection method: clinical testing. Allele origin: unknown.
Comment: Available data are insufficient to determine the clinical significance of the variant at this time. The frequency of this variant in the general population is uninformative in assessment of its pathogenicity. Computational tools predict that this variant is not damaging.

NM_001378452.1(ITPR1):c.6935C>A (p.Thr2312Asn)

Gene: ITPR1 (inositol 1,4,5-trisphosphate receptor type 1; plus strand). Cytogenetic location: 3p26.1.
Variant type: single nucleotide variant.
Coding change: c.6935C>A on transcript NM_001378452.1 (MANE Select); coding-DNA position 6935, C replaced by A.
Protein change: p.Thr2312Asn; replaces threonine 2312 with asparagine.
Molecular consequence: missense variant.
Genome position (GRCh38, 1-based): chr3:4,800,428, C>A. VCF-style: chr3-4800428-C-A. GRCh37 (hg19) VCF-style: chr3-4842112-C-A.
Other names: c.6791C>A, p.Thr2264Asn (NM_001099952.4); c.6890C>A, p.Thr2297Asn (NM_001168272.2); c.6746C>A, p.Thr2249Asn (NM_002222.7); short protein forms T2249N, T2264N, T2297N, T2312N.
Identifiers: ClinVar variation 2684242 (VCV002684242.1), dbSNP rs1251239321, ClinGen allele CA351643491.